The following is an entry in ClinVar:

NM_001039141.3(TRIOBP):c.6283T>C (p.Ser2095Pro)

Gene: TRIOBP (TRIO and F-actin binding protein; plus strand). Cytogenetic location: 22q13.1.
Variant type: single nucleotide variant.
Coding change: c.6283T>C on transcript NM_001039141.3 (MANE Select); coding-DNA position 6283, T replaced by C.
Protein change: p.Ser2095Pro; replaces serine 2095 with proline.
Molecular consequence: missense variant.
Genome position (GRCh38, 1-based): chr22:37,759,223, T>C. VCF-style: chr22-37759223-T-C. GRCh37 (hg19) VCF-style: chr22-38155230-T-C.
Other names: c.1144T>C, p.Ser382Pro (NM_007032.5, NM_138632.2); short protein forms S382P, S2095P.
Identifiers: ClinVar variation 666774 (VCV000666774.8), dbSNP rs369453731, ClinGen allele CA10224927.

ClinVar aggregate classification (germline): Conflicting classifications of pathogenicity. Review status: criteria provided, conflicting classifications (1 of 4 stars). 3 submissions from 3 submitters: Uncertain significance (1); Likely benign (1). 1 of the submissions does not count toward it. Last evaluated 2024-09-11.

Conditions:
Inborn genetic diseases. Identifiers: MedGen C0950123, MeSH D030342.
TRIOBP-related disorder. Also called: TRIOBP-related condition.

Allele frequency attached by ClinVar (database versions not stated): gnomAD below 0.00001 and 0.00006; TOPMed 0.00001; gnomAD exomes 0.00007 and 0.00020; ExAC 0.00021; 1000 Genomes Project 30x 0.00078; 1000 Genomes Project 0.00100.
gnomAD v4.1: 121 of 1,613,026 alleles (0.0075%); highest among the groups gnomAD compares: South Asian, 0.12%; 1 homozygote.

Submissions (3):

Ambry Genetics
Classification: Uncertain significance for Inborn genetic diseases. Last evaluated: 2024-09-11. Review status: criteria provided, single submitter. Criteria: Ambry Variant Classification Scheme 2023. Collection method: clinical testing. Allele origin: germline.

Laboratory for Molecular Medicine, Mass General Brigham Personalized Medicine
Classification: Likely benign. Last evaluated: 2019-03-11. Review status: criteria provided, single submitter. Criteria: LMM Criteria. Collection method: clinical testing. Allele origin: germline. Observed: 1 variant allele.
Comment: The p.Ser2095Pro variant in TRIOBP is classified as likely benign because it has been identified in 0.15% (48/30608) of South Asian chromosomes by gnomAD, and due to a lack of conservation across species. Seven mammals (prairie vole, Guinea pig, chinchilla, brush-tailed rat, cat, David's myotis, hedgehog) carry a proline (Pro) at this position despite high nearby amino acid conservation. ACMG/AMP criteria applied: BP4_Strong, BS1_Supporting.

PreventionGenetics, part of Exact Sciences
Classification: Likely benign for TRIOBP-related condition. Last evaluated: 2022-09-22. Review status: no assertion criteria provided. Collection method: clinical testing. Allele origin: germline. Not counted in ClinVar's aggregate classification.
Comment: This variant is classified as likely benign based on ACMG/AMP sequence variant interpretation guidelines (Richards et al. 2015 PMID: 25741868, with internal and published modifications).